The following is an entry in ClinVar:

ClinVar aggregate classification (germline): Uncertain significance (1 of 4 stars; one submission).

Allele frequency attached by ClinVar (database versions not stated): gnomAD exomes below 0.00001; ExAC 0.00001.
gnomAD v4.1: 1 of 1,613,126 alleles (0.000062%); highest among the groups gnomAD compares: Admixed American, 0.0017%; no homozygotes.

Submission:

Labcorp Genetics (formerly Invitae), Labcorp
Classification: Uncertain significance. Last evaluated: 2022-09-12. Review status: criteria provided, single submitter. Criteria: Invitae Variant Classification Sherloc (09022015). Collection method: clinical testing. Allele origin: germline.
Comment: In summary, the available evidence is currently insufficient to determine the role of this variant in disease. Therefore, it has been classified as a Variant of Uncertain Significance. This sequence change replaces isoleucine, which is neutral and non-polar, with valine, which is neutral and non-polar, at codon 707 of the MME protein (p.Ile707Val). This variant is present in population databases (rs747583002, gnomAD 0.003%). This variant has not been reported in the literature in individuals affected with MME-related conditions. Advanced modeling of protein sequence and biophysical properties (such as structural, functional, and spatial information, amino acid conservation, physicochemical variation, residue mobility, and thermodynamic stability) performed at Invitae indicates that this missense variant is not expected to disrupt MME protein function.

NM_007289.4(MME):c.2119A>G (p.Ile707Val)

Gene: MME (membrane metalloendopeptidase; plus strand). Cytogenetic location: 3q25.2.
Variant type: single nucleotide variant.
Coding change: c.2119A>G on transcript NM_007289.4 (MANE Select); coding-DNA position 2119, A replaced by G.
Protein change: p.Ile707Val; replaces isoleucine 707 with valine.
Molecular consequence: missense variant.
Genome position (GRCh38, 1-based): chr3:155,172,578, A>G. VCF-style: chr3-155172578-A-G. GRCh37 (hg19) VCF-style: chr3-154890367-A-G.
Other names: c.2119A>G, p.Ile707Val (NM_000902.5, NM_001354642.2, NM_001354643.1 and 2 more transcripts); short protein forms I707V.
Identifiers: ClinVar variation 2066463 (VCV002066463.4), dbSNP rs747583002, ClinGen allele CA2675754.